The following is an entry in ClinVar:

NM_000238.4(KCNH2):c.238G>C (p.Ala80Pro)

Gene: KCNH2 (potassium voltage-gated channel subfamily H member 2; minus strand). Cytogenetic location: 7q36.1.
Variant type: single nucleotide variant.
Coding change: c.238G>C on transcript NM_000238.4 (MANE Select); coding-DNA position 238, G replaced by C.
Protein change: p.Ala80Pro; replaces alanine 80 with proline.
Molecular consequence: missense variant.
Genome position (GRCh38, 1-based): chr7:150,974,780, C>G on the plus strand (G>C on the coding strand, the complement: KCNH2 is on the minus strand). VCF-style: chr7-150974780-C-G. GRCh37 (hg19) VCF-style: chr7-150671868-C-G.
Other names: c.238G>C (LRG_288t1); c.61G>C, p.Ala21Pro (NM_001406755.1); c.238G>C, p.Ala80Pro (NM_172056.3); short protein forms A80P, A21P.
Identifiers: ClinVar variation 67392 (VCV000067392.3), dbSNP rs199473037, ClinGen allele CA006562.

ClinVar aggregate classification (germline): not provided (0 of 4 stars; one submission).

Conditions:
Familial long QT syndrome (RWS). Also called: Congenital long QT syndrome; Romano-Ward syndrome; VENTRICULAR FIBRILLATION WITH PROLONGED QT INTERVAL. Identifiers: Orphanet 768, MedGen C1141890, MONDO:0019171.

Submission:

Cardiovascular Biomedical Research Unit, Royal Brompton & Harefield NHS Foundation Trust
No classification provided. Condition: Familial long QT syndrome. Review status: no classification provided. Collection method: literature only. Allele origin: germline.
Comment: This variant has been reported as associated with Long QT syndrome in the following publications (PMID:21496174). This is a literature report, and does not necessarily reflect the clinical interpretation of the Imperial College / Royal Brompton Cardiovascular Genetics laboratory.

Literature cited by the submitters: PubMed 21496174; PubMed 22581653.